The following is an entry in ClinVar:

ClinVar aggregate classification (germline): Uncertain significance (1 of 4 stars; one submission).

Allele frequency attached by ClinVar (database versions not stated): gnomAD 0.00001; TOPMed 0.00001; ExAC 0.00002.
gnomAD v4.1: 17 of 1,611,102 alleles (0.0011%); highest among the groups gnomAD compares: South Asian, 0.0055%; no homozygotes.

Submission:

Labcorp Genetics (formerly Invitae), Labcorp
Classification: Uncertain significance. Last evaluated: 2022-09-19. Review status: criteria provided, single submitter. Criteria: Invitae Variant Classification Sherloc (09022015). Collection method: clinical testing. Allele origin: germline.
Comment: This sequence change replaces threonine, which is neutral and polar, with methionine, which is neutral and non-polar, at codon 98 of the PAX1 protein (p.Thr98Met). This variant is present in population databases (rs769029399, gnomAD 0.003%). This variant has not been reported in the literature in individuals affected with PAX1-related conditions. ClinVar contains an entry for this variant (Variation ID: 1368058). Advanced modeling of protein sequence and biophysical properties (such as structural, functional, and spatial information, amino acid conservation, physicochemical variation, residue mobility, and thermodynamic stability) performed at Invitae indicates that this missense variant is not expected to disrupt PAX1 protein function. In summary, the available evidence is currently insufficient to determine the role of this variant in disease. Therefore, it has been classified as a Variant of Uncertain Significance.

NM_001257096.2(PAX1):c.293C>T (p.Thr98Met)

Gene: PAX1 (paired box 1; plus strand). Cytogenetic location: 20p11.22.
Variant type: single nucleotide variant.
Coding change: c.293C>T on transcript NM_001257096.2 (MANE Select); coding-DNA position 293, C replaced by T.
Protein change: p.Thr98Met; replaces threonine 98 with methionine.
Molecular consequence: missense variant.
Genome position (GRCh38, 1-based): chr20:21,706,444, C>T. VCF-style: chr20-21706444-C-T. GRCh37 (hg19) VCF-style: chr20-21687082-C-T.
Other names: c.293C>T, p.Thr98Met (NM_006192.5); short protein forms T98M.
Identifiers: ClinVar variation 1368058 (VCV001368058.8), dbSNP rs769029399, ClinGen allele CA9786472.